The following is an entry in ClinVar:

ClinVar aggregate classification (germline): Uncertain significance (1 of 4 stars; one submission).

Allele frequency attached by ClinVar (database versions not stated): gnomAD 0.00001; gnomAD exomes 0.00001; TOPMed 0.00002; ExAC 0.00018.
gnomAD v4.1: 13 of 1,513,158 alleles (0.00086%); highest among the groups gnomAD compares: African/African-American, 0.0055%; no homozygotes.

Submission:

Labcorp Genetics (formerly Invitae), Labcorp
Classification: Uncertain significance. Last evaluated: 2023-08-27. Review status: criteria provided, single submitter. Criteria: Invitae Variant Classification Sherloc (09022015). Collection method: clinical testing. Allele origin: germline.
Comment: This sequence change replaces arginine, which is basic and polar, with cysteine, which is neutral and slightly polar, at codon 1348 of the OBSL1 protein (p.Arg1348Cys). The frequency data for this variant in the population databases is considered unreliable, as metrics indicate poor data quality at this position in the gnomAD database. This variant has not been reported in the literature in individuals affected with OBSL1-related conditions. An algorithm developed to predict the effect of missense changes on protein structure and function (PolyPhen-2) suggests that this variant is likely to be tolerated. In summary, the available evidence is currently insufficient to determine the role of this variant in disease. Therefore, it has been classified as a Variant of Uncertain Significance.

NM_015311.3(OBSL1):c.4042C>T (p.Arg1348Cys)

Gene: OBSL1 (obscurin like cytoskeletal adaptor 1; minus strand). Cytogenetic location: 2q35.
Variant type: single nucleotide variant.
Coding change: c.4042C>T on transcript NM_015311.3 (MANE Select); coding-DNA position 4042, C replaced by T.
Protein change: p.Arg1348Cys; replaces arginine 1348 with cysteine.
Molecular consequence: missense variant.
Genome position (GRCh38, 1-based): chr2:219,557,367, G>A on the plus strand (C>T on the coding strand, the complement: OBSL1 is on the minus strand). VCF-style: chr2-219557367-G-A. GRCh37 (hg19) VCF-style: chr2-220422089-G-A.
Other names: c.4042C>T, p.Arg1348Cys (NM_001173431.2); short protein forms R1348C.
Identifiers: ClinVar variation 2972535 (VCV002972535.3), dbSNP rs751611001, ClinGen allele CA2130688.